The following is an entry in ClinVar:

ClinVar aggregate classification (germline): Uncertain significance (1 of 4 stars; one submission).

Conditions:
3-methylcrotonyl-CoA carboxylase 2 deficiency. Also called: 3 alpha methylcrotonyl-CoA carboxylase 2 deficiency; 3 alpha methylcrotonylglycinuria 2; MCC 2 deficiency; Methylcrotonylglycinuria type 2; METHYLCROTONYLGLYCINURIA, TYPE II. Identifiers: Orphanet 6, MedGen C1859499, MONDO:0008862, OMIM 210210.

Submission:

Labcorp Genetics (formerly Invitae), Labcorp
Classification: Uncertain significance for 3-methylcrotonyl-CoA carboxylase 2 deficiency. Last evaluated: 2022-07-26. Review status: criteria provided, single submitter. Criteria: Invitae Variant Classification Sherloc (09022015). Collection method: clinical testing. Allele origin: germline.
Comment: In summary, the available evidence is currently insufficient to determine the role of this variant in disease. Therefore, it has been classified as a Variant of Uncertain Significance. Advanced modeling of protein sequence and biophysical properties (such as structural, functional, and spatial information, amino acid conservation, physicochemical variation, residue mobility, and thermodynamic stability) performed at Invitae indicates that this missense variant is expected to disrupt MCCC2 protein function. This missense change has been observed in individual(s) with clinical features of 3-methylcrotonyl-CoA carboxylase deficiency (Invitae). This variant is not present in population databases (gnomAD no frequency). This sequence change replaces glycine, which is neutral and non-polar, with aspartic acid, which is acidic and polar, at codon 122 of the MCCC2 protein (p.Gly122Asp).

NM_022132.5(MCCC2):c.365G>A (p.Gly122Asp)

Gene: MCCC2 (methylcrotonyl-CoA carboxylase subunit 2; plus strand). Cytogenetic location: 5q13.2.
Variant type: single nucleotide variant.
Coding change: c.365G>A on transcript NM_022132.5 (MANE Select); coding-DNA position 365, G replaced by A.
Protein change: p.Gly122Asp; replaces glycine 122 with aspartic acid.
Molecular consequence: missense variant.
Genome position (GRCh38, 1-based): chr5:71,599,742, G>A. VCF-style: chr5-71599742-G-A. GRCh37 (hg19) VCF-style: chr5-70895569-G-A.
Other names: c.365G>A, p.Gly122Asp (NM_001363147.1); short protein forms G122D.
Identifiers: ClinVar variation 2070079 (VCV002070079.4), dbSNP rs2530724111, ClinGen allele CA360008653.
Genomic context (GRCh38, chr5:71,599,742, plus strand): 5'-AGTTTGCAGGTTACCAGTTATATGACAATGAGGAGGTGCCAGGAGGTGGCATTATTACAG[G>A]CATTGGAAGAGTATCAGGGTGAGTATTCTACTTGTGCTTCATAATGTGGGTTGAGAAGAA-3'
Protein context (NP_071415.1, residues 112-132): EEVPGGGIIT[Gly122Asp]IGRVSGVECM